The following is an entry in ClinVar:

NM_025114.4(CEP290):c.6857T>C (p.Ile2286Thr)

Gene: CEP290 (centrosomal protein 290; minus strand). Cytogenetic location: 12q21.32.
Variant type: single nucleotide variant.
Coding change: c.6857T>C on transcript NM_025114.4 (MANE Select); coding-DNA position 6857, T replaced by C.
Protein change: p.Ile2286Thr; replaces isoleucine 2286 with threonine.
Molecular consequence: missense variant.
Genome position (GRCh38, 1-based): chr12:88,055,679, A>G on the plus strand (T>C on the coding strand, the complement: CEP290 is on the minus strand). VCF-style: chr12-88055679-A-G. GRCh37 (hg19) VCF-style: chr12-88449456-A-G.
Other names: short protein forms I2286T.
Identifiers: ClinVar variation 2634165 (VCV002634165.2), dbSNP rs991777856, ClinGen allele CA241147277.

ClinVar aggregate classification (germline): Uncertain significance (1 of 4 stars; one submission).

Conditions:
CEP290-related disorder. Also called: CEP290-related disorders; CEP290-related condition. Identifiers: MedGen CN239314.

Allele frequency attached by ClinVar (database versions not stated): gnomAD exomes below 0.00001; gnomAD 0.00001; TOPMed 0.00001.
gnomAD v4.1: 6 of 1,549,266 alleles (0.00039%); highest among the groups gnomAD compares: African/African-American, 0.0027%; no homozygotes.

Submission:

PreventionGenetics, part of Exact Sciences
Classification: Uncertain significance for CEP290-related condition. Last evaluated: 2026-04-27. Review status: criteria provided, single submitter. Criteria: ACMG Guidelines, 2015. Collection method: clinical testing. Allele origin: germline.
Comment: The CEP290 c.6857T>C variant is predicted to result in the amino acid substitution p.Ile2286Thr. To our knowledge, this variant has not been reported in the literature or in a large population database (gnomAD), indicating this variant is rare. At this time, the clinical significance of this variant is uncertain due to the absence of conclusive functional and genetic evidence.